The following is an entry in ClinVar:

ClinVar aggregate classification (germline): Uncertain significance (1 of 4 stars; one submission).

Conditions:
Charcot-Marie-Tooth disease dominant intermediate B (CMTDIB). Also called: Charcot-Marie-Tooth disease dominant intermediate 1; CMT DI1; Charcot-Marie-Tooth disease dominant intermediate I; CHARCOT-MARIE-TOOTH NEUROPATHY, DOMINANT INTERMEDIATE B. Identifiers: Orphanet 100044, Orphanet 228179, MedGen C1847902, MONDO:0011674, OMIM 606482.

Allele frequency attached by ClinVar (database versions not stated): gnomAD 0.00001; gnomAD exomes 0.00003 and 0.00009; ExAC 0.00013; 1000 Genomes Project 30x 0.00016; 1000 Genomes Project 0.00020.
gnomAD v4.1: 47 of 1,607,410 alleles (0.0029%); highest among the groups gnomAD compares: South Asian, 0.037%; no homozygotes.

Submission:

Labcorp Genetics (formerly Invitae), Labcorp
Classification: Uncertain significance for Charcot-Marie-Tooth disease dominant intermediate B. Last evaluated: 2025-11-23. Review status: criteria provided, single submitter. Criteria: Invitae Variant Classification Sherloc (09022015). Collection method: clinical testing. Allele origin: germline.
Comment: This sequence change falls in intron 20 of the DNM2 gene. It does not directly change the encoded amino acid sequence of the DNM2 protein. It affects a nucleotide within the consensus splice site. This variant is present in population databases (rs531145240, gnomAD 0.07%), and has an allele count higher than expected for a pathogenic variant. This variant has not been reported in the literature in individuals affected with DNM2-related conditions. ClinVar contains an entry for this variant (Variation ID: 1394576). Variants that disrupt the consensus splice site are a relatively common cause of aberrant splicing (PMID: 17576681, 9536098). Algorithms developed to predict the effect of sequence changes on RNA splicing suggest that this variant is not likely to affect RNA splicing. In summary, the available evidence is currently insufficient to determine the role of this variant in disease. Therefore, it has been classified as a Variant of Uncertain Significance.

Literature cited by the submitters: PubMed 17576681; PubMed 9536098.

NM_001005361.3(DNM2):c.2543+6G>T

Gene: DNM2 (dynamin 2; plus strand). Cytogenetic location: 19p13.2.
Variant type: single nucleotide variant.
Coding change: c.2543+6G>T on transcript NM_001005361.3 (MANE Select); 6 bases into the intron after coding-DNA position 2543, G replaced by T.
Molecular consequence: intron variant.
Genome position (GRCh38, 1-based): chr19:10,830,384, G>T. VCF-style: chr19-10830384-G-T. GRCh37 (hg19) VCF-style: chr19-10941060-G-T.
Other names: c.2543+6G>T (NM_001005360.3, NM_001190716.2); c.2531+6G>T (NM_004945.4, NM_001005362.3).
Identifiers: ClinVar variation 1394576 (VCV001394576.6), dbSNP rs531145240, ClinGen allele CA9201636.
Genomic context (GRCh38, chr19:10,830,384, plus strand): 5'-AGATCCCATCTCGGCCAGTTCGGATCCCCCCAGGGATTCCCCCAGGAGTGCCCAGGTAAG[G>T]CCAACCCCCTGCCCTCCACCCCAACTGCCTGCACCCTGGGGTCTCTCCTCCTGTCTCACT-3'